The following is an entry in ClinVar:

ClinVar aggregate classification (germline): Uncertain significance. Review status: criteria provided, multiple submitters, no conflicts (2 of 4 stars). 2 submissions from 2 submitters: Uncertain significance (2). Last evaluated 2024-02-24.

Conditions:
Spastic paraplegia. Identifiers: MedGen C0037772, HP:0001258.

Allele frequency attached by ClinVar (database versions not stated): gnomAD exomes below 0.00001; TOPMed 0.00002; gnomAD 0.00003.
gnomAD v4.1: 9 of 1,613,442 alleles (0.00056%); highest among the groups gnomAD compares: African/African-American, 0.0093%; no homozygotes.

Submissions (2):

Labcorp Genetics (formerly Invitae), Labcorp
Classification: Uncertain significance for Spastic paraplegia. Last evaluated: 2024-02-24. Review status: criteria provided, single submitter. Criteria: Invitae Variant Classification Sherloc (09022015). Collection method: clinical testing. Allele origin: germline.
Comment: This sequence change replaces serine, which is neutral and polar, with asparagine, which is neutral and polar, at codon 210 of the CYP7B1 protein (p.Ser210Asn). This variant is present in population databases (no rsID available, gnomAD 0.02%). This variant has not been reported in the literature in individuals affected with CYP7B1-related conditions. ClinVar contains an entry for this variant (Variation ID: 291286). Advanced modeling of protein sequence and biophysical properties (such as structural, functional, and spatial information, amino acid conservation, physicochemical variation, residue mobility, and thermodynamic stability) performed at Invitae indicates that this missense variant is not expected to disrupt CYP7B1 protein function with a negative predictive value of 80%. In summary, the available evidence is currently insufficient to determine the role of this variant in disease. Therefore, it has been classified as a Variant of Uncertain Significance.

Eurofins Ntd Llc (ga)
Classification: Uncertain significance. Last evaluated: 2017-11-16. Review status: criteria provided, single submitter. Criteria: EGL Classification Definitions 2015. Collection method: clinical testing. Allele origin: germline. Observed: 2 variant alleles, 2 heterozygotes.

NM_004820.5(CYP7B1):c.629G>A (p.Ser210Asn)

Gene: CYP7B1 (cytochrome P450 family 7 subfamily B member 1; minus strand). Cytogenetic location: 8q12.3.
Variant type: single nucleotide variant.
Coding change: c.629G>A on transcript NM_004820.5 (MANE Select); coding-DNA position 629, G replaced by A.
Protein change: p.Ser210Asn; replaces serine 210 with asparagine.
Molecular consequence: missense variant.
Genome position (GRCh38, 1-based): chr8:64,615,912, C>T on the plus strand (G>A on the coding strand, the complement: CYP7B1 is on the minus strand). VCF-style: chr8-64615912-C-T. GRCh37 (hg19) VCF-style: chr8-65528469-C-T.
Other names: c.629G>A, p.Ser210Asn (NM_001324112.2); short protein forms S210N.
Identifiers: ClinVar variation 291286 (VCV000291286.9), dbSNP rs886044713, ClinGen allele CA10607093.
Genomic context (GRCh38, chr8:64,615,912, plus strand): 5'-ATGTTGGATACTAAATATGCAAACTTGTCATCAAATTTTAAAAAATCATCTCTTAGCTCA[C>T]TAATAAATTTGTTGTTGTCACAAACAATAACTTTTCCATATATAGTTGTAAATGTGATCT-3'
Protein context (NP_004811.1, residues 200-220): VIVCDNNKFI[Ser210Asn]ELRDDFLKFD